The following is an entry in ClinVar:

NM_145200.5(CABP4):c.367-36C>T

Gene: CABP4 (calcium binding protein 4; plus strand). Cytogenetic location: 11q13.2.
Variant type: single nucleotide variant.
Coding change: c.367-36C>T on transcript NM_145200.5 (MANE Select); 36 bases into the intron before coding-DNA position 367, C replaced by T.
Molecular consequence: intron variant. On other transcripts: synonymous variant (3).
Genome position (GRCh38, 1-based): chr11:67,456,152, C>T. VCF-style: chr11-67456152-C-T. GRCh37 (hg19) VCF-style: chr11-67223623-C-T.
Other names: c.16C>T, p.Leu6= (NM_001300895.3, NM_001300896.3, NM_001379183.1).
Identifiers: ClinVar variation 4989449 (VCV004989449.1).

ClinVar aggregate classification (germline): Likely benign (1 of 4 stars; one submission).

Conditions:
CABP4-related disorder. Also called: CABP4-related condition.

gnomAD v4.1: 4 of 1,612,952 alleles (0.00025%); highest among the groups gnomAD compares: Non-Finnish European, 0.00034%; no homozygotes.

Submission:

PreventionGenetics, part of Exact Sciences
Classification: Likely benign for CABP4-related condition. Last evaluated: 2026-09-01. Review status: criteria provided, single submitter. Criteria: ACMG Guidelines, 2015. Collection method: clinical testing. Allele origin: germline.
Comment: This variant is classified as likely benign based on ACMG/AMP sequence variant interpretation guidelines (Richards et al. 2015 PMID: 25741868, with internal and published modifications).